The following is an entry in ClinVar:

NM_018979.4(WNK1):c.593G>A (p.Ser198Asn)

Gene: WNK1 (WNK lysine deficient protein kinase 1; plus strand). Cytogenetic location: 12p13.33.
Variant type: single nucleotide variant.
Coding change: c.593G>A on transcript NM_018979.4 (MANE Select); coding-DNA position 593, G replaced by A.
Protein change: p.Ser198Asn; replaces serine 198 with asparagine.
Molecular consequence: missense variant.
Genome position (GRCh38, 1-based): chr12:754,158, G>A. VCF-style: chr12-754158-G-A. GRCh37 (hg19) VCF-style: chr12-863324-G-A.
Other names: c.593G>A, p.Ser198Asn (NM_001184985.2, NM_014823.3, NM_213655.5); c.593G>A (NM_018979.3); short protein forms S198N.
Identifiers: ClinVar variation 2927454 (VCV002927454.4), dbSNP rs373400194, ClinGen allele CA6381815.

ClinVar aggregate classification (germline): Uncertain significance. Review status: criteria provided, multiple submitters, no conflicts (2 of 4 stars). 2 submissions from 2 submitters: Uncertain significance (2). Last evaluated 2025-09-17.

Conditions:
WNK1-related disorder. Also called: WNK1-related condition.
Neuropathy, hereditary sensory and autonomic, type 2A (HSAN2A). Also called: HSAN IIA; WNK1-Related HSAN2 (HSAN2A); MORVAN DISEASE; NEUROPATHY, CONGENITAL SENSORY; NEUROPATHY, HEREDITARY SENSORY RADICULAR, AUTOSOMAL RECESSIVE; NEUROPATHY, HEREDITARY SENSORY, TYPE IIA. Identifiers: Orphanet 970, MedGen C2752089, MONDO:0024309, OMIM 201300.
Pseudohypoaldosteronism type 2C (PHA2C). Also called: Pseudohypoaldosteronism Type IIC. Identifiers: Orphanet 757, Orphanet 88940, MedGen C1840391, MONDO:0013778, OMIM 614492.

Allele frequency attached by ClinVar (database versions not stated): gnomAD exomes below 0.00001; ExAC 0.00002; TOPMed 0.00003; ESP Exome Variant Server 0.00008.
gnomAD v4.1: 4 of 1,613,154 alleles (0.00025%); highest among the groups gnomAD compares: African/African-American, 0.0053%; no homozygotes.

Submissions (2):

PreventionGenetics, part of Exact Sciences
Classification: Uncertain significance for WNK1-related condition. Last evaluated: 2025-09-17. Review status: criteria provided, single submitter. Criteria: ACMG Guidelines, 2015. Collection method: clinical testing. Allele origin: germline.
Comment: The WNK1 c.593G>A variant is predicted to result in the amino acid substitution p.Ser198Asn. To our knowledge, this variant has not been reported in the literature. This variant is reported in 0.012% of alleles in individuals of African descent in gnomAD. At this time, the clinical significance of this variant is uncertain due to the absence of conclusive functional and genetic evidence.

Labcorp Genetics (formerly Invitae), Labcorp
Classification: Uncertain significance for Neuropathy, hereditary sensory and autonomic, type 2A; Pseudohypoaldosteronism type 2C. Last evaluated: 2024-03-22. Review status: criteria provided, single submitter. Criteria: Invitae Variant Classification Sherloc (09022015). Collection method: clinical testing. Allele origin: germline.
Comment: This sequence change replaces serine, which is neutral and polar, with asparagine, which is neutral and polar, at codon 198 of the WNK1 protein (p.Ser198Asn). This variant is present in population databases (rs373400194, gnomAD 0.02%). This variant has not been reported in the literature in individuals affected with WNK1-related conditions. Advanced modeling of protein sequence and biophysical properties (such as structural, functional, and spatial information, amino acid conservation, physicochemical variation, residue mobility, and thermodynamic stability) performed at Invitae indicates that this missense variant is not expected to disrupt WNK1 protein function with a negative predictive value of 95%. In summary, the available evidence is currently insufficient to determine the role of this variant in disease. Therefore, it has been classified as a Variant of Uncertain Significance.